The following is an entry in ClinVar:

ClinVar aggregate classification (germline): Likely pathogenic. Review status: reviewed by expert panel (3 of 4 stars). 2 submissions from 2 submitters: Likely pathogenic (1). 1 of the submissions does not count toward it. Last evaluated 2025-08-03.

Conditions:
RPGR-related retinopathy. Also called: RPGR retinopathy. Identifiers: MedGen CN305589, MONDO:0100437.

Submissions (2):

ClinGen X-linked Inherited Retinal Disease Variant Curation Expert Panel, ClinGen
Classification: Likely pathogenic for RPGR-related retinopathy. Last evaluated: 2025-08-03. Review status: reviewed by expert panel. Criteria: ClinGen X LinkedIRD ACMG Specifications RPGR V1.0.0. Collection method: curation. Allele origin: germline. Inheritance: X-linked inheritance.
Comment: NM_001034853.2(RPGR):c.178G>A (p.Gly60Ser) is a predicted missense variant that replaces glycine with serine at amino acid 60. Another missense variant in the same codon, NM_001034853.2(RPGR):c.179G>T (p.Gly60Val), has been classified as pathogenic for RPGR-related retinopathy by the ClinGen X-linked IRD VCEP, while no benign missense variants have been identified in this codon. However, the present variant has a lower Grantham’s distance (56) than the comparison variant (109), so the PM5_Supporting code is not met. This variant is absent from gnomAD v4.1.0 (PM2_Supporting). At least one proband harboring this variant exhibits a phenotype including diagnosis of rod-cone dystrophy with childhood onset (1 pt), electroretinogram confirmation of rod involvement greater than cone (1pt), genotyping by next-generation sequencing using a 105-gene panel that did not identify an alternative cause of retinal disease (2 pts), family history consistent with X-linked inheritance (2 pts), night blindness (0.5 pts), and photophobia (0.5 pts), which together are specific for RPGR-related retinopathy (7 points, PMID: 28341476,, PP4). The variant has been reported to segregate with retinal dystrophy through at least 2 affected meioses from 1 family (PP1; PMID: 28341476). The computational predictor REVEL gives a score of 0.944, which is above the ClinGen X-linked IRD VCEP threshold of ≥ 0.932 and predicts a damaging effect on RPGR function (PP3_Strong). Also, the computational splicing predictor SpliceAI gives delta scores of 0.35 for acceptor loss and 0.33 for donor loss, which are above the ClinGen X-linked IRD VCEP threshold of >0.2 and predict a damaging impact on splicing. In summary, this variant is classified as likely pathogenic for RPGR-related retinopathy based on the ClinGen X-linked Inherited Retinal Disease Expert Panel Specifications to the ACMG/AMP Variant Interpretation Guidelines for RPGR Version 1.0.0; PM2_Supporting, PP4, PP1, and PP3_Strong. (date of approval 05/16/2025).

CeGaT Center for Human Genetics Tuebingen
Classification: Likely pathogenic. Last evaluated: 2022-02-01. Review status: criteria provided, single submitter. Criteria: CeGaT Center For Human Genetics Tuebingen Variant Classification Criteria Version 2. Collection method: clinical testing. Allele origin: germline. Affected: yes. Observed: 1 variant allele. Not counted in ClinVar's aggregate classification.

NM_001034853.2(RPGR):c.178G>A (p.Gly60Ser)

Gene: RPGR (retinitis pigmentosa GTPase regulator; minus strand). Cytogenetic location: Xp11.4.
Variant type: single nucleotide variant.
Coding change: c.178G>A on transcript NM_001034853.2 (MANE Select); coding-DNA position 178, G replaced by A.
Protein change: p.Gly60Ser; replaces glycine 60 with serine.
Molecular consequence: missense variant. On other transcripts: non-coding transcript variant (6).
Genome position (GRCh38, 1-based): chrX:38,322,922, C>T on the plus strand (G>A on the coding strand, the complement: RPGR is on the minus strand). VCF-style: chrX-38322922-C-T. GRCh37 (hg19) VCF-style: chrX-38182175-C-T.
Other names: NM_001034853.2(RPGR):c.178G>A; p.Gly60Ser; c.178G>A, p.Gly60Ser (NM_000328.3, NM_001367245.1, NM_001367246.1 and 4 more transcripts); c.208G>A, p.Gly70Ser (NM_001367248.1); short protein forms G60S, G70S.
Identifiers: ClinVar variation 1676154 (VCV001676154.34), dbSNP rs2147290553, ClinGen allele CA412745655.